The following is an entry in ClinVar:

ClinVar aggregate classification (germline): Likely pathogenic (1 of 4 stars; one submission).

Submission:

Labcorp Genetics (formerly Invitae), Labcorp
Classification: Likely pathogenic. Last evaluated: 2023-12-20. Review status: criteria provided, single submitter. Criteria: Invitae Variant Classification Sherloc (09022015). Collection method: clinical testing. Allele origin: germline.
Comment: This sequence change replaces isoleucine, which is neutral and non-polar, with threonine, which is neutral and polar, at codon 30 of the GJB2 protein (p.Ile30Thr). This variant is not present in population databases (gnomAD no frequency). This variant has not been reported in the literature in individuals affected with GJB2-related conditions. Advanced modeling of protein sequence and biophysical properties (such as structural, functional, and spatial information, amino acid conservation, physicochemical variation, residue mobility, and thermodynamic stability) performed at Invitae indicates that this missense variant is expected to disrupt GJB2 protein function with a positive predictive value of 95%. This variant disrupts the p.Ile30 amino acid residue in GJB2. Other variant(s) that disrupt this residue have been determined to be pathogenic (PMID: 19366456; Invitae). This suggests that this residue is clinically significant, and that variants that disrupt this residue are likely to be disease-causing. In summary, the currently available evidence indicates that the variant is pathogenic, but additional data are needed to prove that conclusively. Therefore, this variant has been classified as Likely Pathogenic.

Literature cited by the submitters: PubMed 19366456.

NM_004004.6(GJB2):c.89T>C (p.Ile30Thr)

Gene: GJB2 (gap junction protein beta 2; minus strand). Cytogenetic location: 13q12.11.
Variant type: single nucleotide variant.
Coding change: c.89T>C on transcript NM_004004.6 (MANE Select); coding-DNA position 89, T replaced by C.
Protein change: p.Ile30Thr; replaces isoleucine 30 with threonine.
Molecular consequence: missense variant.
Genome position (GRCh38, 1-based): chr13:20,189,493, A>G on the plus strand (T>C on the coding strand, the complement: GJB2 is on the minus strand). VCF-style: chr13-20189493-A-G. GRCh37 (hg19) VCF-style: chr13-20763632-A-G.
Other names: short protein forms I30T.
Identifiers: ClinVar variation 2739943 (VCV002739943.3), dbSNP rs2500253112, ClinGen allele CA387462017.